The following is an entry in ClinVar:

ClinVar aggregate classification (germline): Uncertain significance (1 of 4 stars; one submission).

Submission:

Ambry Genetics
Classification: Uncertain significance. Last evaluated: 2026-03-30. Review status: criteria provided, single submitter. Criteria: Ambry Variant Classification Scheme 2023. Collection method: clinical testing. Allele origin: germline.
Comment: The p.R193L variant (also known as c.578G>T), located in coding exon 6 of the FAM175A gene, results from a G to T substitution at nucleotide position 578. The arginine at codon 193 is replaced by leucine, an amino acid with dissimilar properties. This amino acid position is conserved. In addition, this alteration is predicted to be tolerated by in silico analysis. Based on the available evidence, the clinical significance of this variant remains unclear.

NM_139076.3(ABRAXAS1):c.578G>T (p.Arg193Leu)

Gene: ABRAXAS1 (abraxas 1, BRCA1 A complex subunit; minus strand). Cytogenetic location: 4q21.23.
Variant type: single nucleotide variant.
Coding change: c.578G>T on transcript NM_139076.3 (MANE Select); coding-DNA position 578, G replaced by T.
Protein change: p.Arg193Leu; replaces arginine 193 with leucine.
Molecular consequence: missense variant.
Genome position (GRCh38, 1-based): chr4:83,469,050, C>A on the plus strand (G>T on the coding strand, the complement: ABRAXAS1 is on the minus strand). VCF-style: chr4-83469050-C-A. GRCh37 (hg19) VCF-style: chr4-84390203-C-A.
Other names: c.251G>T, p.Arg84Leu (NM_001345962.2); short protein forms R193L, R84L.
Identifiers: ClinVar variation 4864697 (VCV004864697.1).